The following is an entry in ClinVar:

NM_054012.4(ASS1):c.376dup (p.Val126fs)

Gene: ASS1 (argininosuccinate synthase 1; plus strand). Cytogenetic location: 9q34.11.
Variant type: Duplication.
Coding change: c.376dup on transcript NM_054012.4 (MANE Select); coding-DNA position 376, one base duplicated (G; older notation c.376dupG).
Protein change: p.Val126fs; shifts the reading frame from valine 126.
Molecular consequence: frameshift variant.
Genome position (GRCh38, 1-based): chr9:130,464,123, G duplicated; the last of 2 consecutive G bases (chr9:130,464,122-130,464,123); duplicating either gives the same sequence. VCF-style (leftmost placement, unchanged base first): chr9-130464121-A-AG. GRCh37 (hg19) VCF-style: chr9-133339508-A-AG.
Other names: c.376dup, p.Val126fs (NM_000050.4); short protein forms V126fs.
Identifiers: ClinVar variation 5007402 (VCV005007402.2).
Genomic context (GRCh38, chr9:130,464,121, plus strand): 5'-CCAGAACCCCCATCCTGTGGCTCCTGACAGCCCTCTGTTCTGCATTGCAGGGGAACGATC[A>AG]GGTCCGGTTTGAGCTCAGCTGCTACTCACTGGCCCCCCAGATAAAGGTAGGATGTGGCTC-3'

ClinVar aggregate classification (germline): Likely pathogenic (1 of 4 stars; one submission).

Conditions:
Citrullinemia type I (CTNL1). Also called: ASS DEFICIENCY; argininosuccinate synthetase deficiency. Identifiers: Orphanet 247525, MedGen C4721769, MONDO:0008988, OMIM 215700.

Submission:

Juno Genomics, Hangzhou Juno Genomics, Inc
Classification: Likely pathogenic for Citrullinemia type I. Review status: criteria provided, single submitter. Criteria: ACMG Guidelines, 2015. Collection method: clinical testing. Allele origin: germline.
Comment: Null variant in a gene where loss of function (LOF) is a known mechanism of disease.;Absent from controls (or at extremely low frequency if recessive) in Genome Aggregation Database.